The following is an entry in ClinVar:

ClinVar aggregate classification (germline): Benign. Review status: criteria provided, multiple submitters, no conflicts (2 of 4 stars). 2 submissions from 2 submitters: Benign (2). Last evaluated 2026-02-03.

Allele frequency attached by ClinVar (database versions not stated): gnomAD exomes 0.00299 and 0.00725; ExAC 0.00890; ESP Exome Variant Server 0.03189; 1000 Genomes Project 0.03215; TOPMed 0.03534; 1000 Genomes Project 30x 0.03623.

Submissions (2):

Labcorp Genetics (formerly Invitae), Labcorp
Classification: Benign. Last evaluated: 2026-02-03. Review status: criteria provided, single submitter. Criteria: Invitae Variant Classification Sherloc (09022015). Collection method: clinical testing. Allele origin: germline.

Women's Health and Genetics/Laboratory Corporation of America, LabCorp
Classification: Benign. Last evaluated: 2019-08-12. Review status: criteria provided, single submitter. Criteria: LabCorp Variant Classification Summary - May 2015. Collection method: clinical testing. Allele origin: germline.
Comment: Variant summary: A2ML1 c.3686A>G (p.His1229Arg, also known as c.3686G>A) results in a non-conservative amino acid change located in the Alpha-macroglobulin-like, TED domain of the encoded protein sequence. Four of five in-silico tools predict a benign effect of the variant on protein function. The variant allele was found at a frequency of 0.99 in 249146 control chromosomes, suggesting that it is the major allele and therefore benign. Based on the evidence outlined above, the variant was classified as benign.

NM_144670.6(A2ML1):c.3686= (p.His1229=)

Gene: A2ML1 (alpha-2-macroglobulin like 1; plus strand). Cytogenetic location: 12p13.31.
Variant type: single nucleotide variant.
Coding change: c.3686= on transcript NM_144670.6 (MANE Select); coding-DNA position 3686, no change from the reference sequence.
Protein change: p.His1229=; no amino-acid change (histidine 1229 retained).
Molecular consequence: no sequence alteration.
Genome position: GRCh38 VCF-style: chr12-8863977-A-A. GRCh37 (hg19) VCF-style: chr12-9016573-A-A.
Other names: c.2213=, p.His738= (NM_001282424.3).
Identifiers: ClinVar variation 241906 (VCV000241906.13), dbSNP rs10219561.
Genomic context (GRCh38, chr12:8,863,977, plus strand): 5'-GCCTGACTCAAAAGGAGATAGCGAAGGCCACTAGCATAGTGGCTTGGTTGGCCAAGCAAC[A=]CAATGCATATGGGGGCTTCTCTTCTACTCAGGTAAACAGCCTGTTCTCCCACTGCCACTT-3'
Protein context (NP_653271.3, residues 1219-1239): TSIVAWLAKQ[His1229=]NAYGGFSSTQ